The following is an entry in ClinVar:

ClinVar aggregate classification (germline): Uncertain significance (1 of 4 stars; one submission).

Conditions:
Cornelia de Lange syndrome 3 (CDLS3). Also called: SMC3-Related Cornelia de Lange Syndrome; CORNELIA DE LANGE SYNDROME 3 WITH OR WITHOUT MIDLINE BRAIN DEFECTS. Identifiers: Orphanet 199, MedGen C1853099, MONDO:0012555, OMIM 610759.

gnomAD v4.1: 1 of 1,602,662 alleles (0.000062%); highest among the groups gnomAD compares: Non-Finnish European, 0.000085%; no homozygotes.

Submission:

OLLIN Analises Genomicas, OLLIN
Classification: Uncertain significance for Cornelia de Lange syndrome 3. Last evaluated: 2026-02-13. Review status: criteria provided, single submitter. Criteria: ACMG Guidelines 2015 PMID 25741868. Collection method: clinical testing. Allele origin: germline. Observed: 1 variant allele.
Comment: PM2_P, PP2, PP3_M

NM_005445.4(SMC3):c.3554A>C (p.Lys1185Thr)

Gene: SMC3 (structural maintenance of chromosomes 3; plus strand). Cytogenetic location: 10q25.2.
Variant type: single nucleotide variant.
Coding change: c.3554A>C on transcript NM_005445.4 (MANE Select); coding-DNA position 3554, A replaced by C.
Protein change: p.Lys1185Thr; replaces lysine 1185 with threonine.
Molecular consequence: missense variant.
Genome position (GRCh38, 1-based): chr10:110,603,262, A>C. VCF-style: chr10-110603262-A-C. GRCh37 (hg19) VCF-style: chr10-112363020-A-C.
Other names: short protein forms K1185T.
Identifiers: ClinVar variation 4814105 (VCV004814105.1).